The following is an entry in ClinVar:

NM_001378457.1(DMXL2):c.6984T>C (p.Asn2328=)

Gene: DMXL2 (Dmx like 2; minus strand). Cytogenetic location: 15q21.2.
Variant type: single nucleotide variant.
Coding change: c.6984T>C on transcript NM_001378457.1 (MANE Select); coding-DNA position 6984, T replaced by C.
Protein change: p.Asn2328=; no amino-acid change (asparagine 2328 retained).
Molecular consequence: synonymous variant. On other transcripts: non-coding transcript variant (2).
Genome position (GRCh38, 1-based): chr15:51,474,573, A>G on the plus strand (T>C on the coding strand, the complement: DMXL2 is on the minus strand). VCF-style: chr15-51474573-A-G. GRCh37 (hg19) VCF-style: chr15-51766770-A-G.
Other names: c.6984T>C, p.Asn2328= (NM_001174116.3, NM_001378459.1, NM_001378461.1 and 1 more transcripts); c.5073T>C, p.Asn1691= (NM_001174117.3); c.6981T>C, p.Asn2327= (NM_001378458.1, NM_001378462.1, NM_015263.5); c.4962T>C, p.Asn1654= (NM_001378460.1); c.6741T>C, p.Asn2247= (NM_001378464.1).
Identifiers: ClinVar variation 756697 (VCV000756697.11), dbSNP rs566873822, ClinGen allele CA7561478.
Genomic context (GRCh38, chr15:51,474,573, plus strand): 5'-AGCTTCACATAGCAAAATGTTCAGTTTTGGCTGGTCTTCATCTTGGGCTGAACTCAAAAG[A>G]TTAATAAGTGAGCTCACACCTATAAGGGTATATAAAATCATAAGACGTATGTCAGGATGA-3'
Protein context (NP_001365386.1, residues 2318-2338): AQWPGVSSLI[Asn2328=]LLSSAQDEDQ

ClinVar aggregate classification (germline): Benign/Likely benign. Review status: criteria provided, multiple submitters, no conflicts (2 of 4 stars). 3 submissions from 3 submitters: Benign (1); Likely benign (1). 1 of the submissions does not count toward it. Last evaluated 2025-02-24.

Conditions:
DMXL2-related disorder. Also called: DMXL2-related condition.

Allele frequency attached by ClinVar (database versions not stated): TOPMed 0.00002; gnomAD 0.00006; gnomAD exomes 0.00027 and 0.00059; ExAC 0.00078; 1000 Genomes Project 30x 0.00109; 1000 Genomes Project 0.00120.
gnomAD v4.1: 437 of 1,614,002 alleles (0.027%); highest among the groups gnomAD compares: South Asian, 0.45%; 3 homozygotes.

Submissions (3):

Labcorp Genetics (formerly Invitae), Labcorp
Classification: Benign. Last evaluated: 2025-02-24. Review status: criteria provided, single submitter. Criteria: Invitae Variant Classification Sherloc (09022015). Collection method: clinical testing. Allele origin: germline.

Blueprint Genetics
Classification: Likely benign. Last evaluated: 2024-08-01. Review status: criteria provided, single submitter. Criteria: ACMG Guidelines, 2015. Collection method: clinical testing. Allele origin: germline.

PreventionGenetics, part of Exact Sciences
Classification: Likely benign for DMXL2-related condition. Last evaluated: 2019-06-15. Review status: no assertion criteria provided. Collection method: clinical testing. Allele origin: germline. Not counted in ClinVar's aggregate classification.
Comment: This variant is classified as likely benign based on ACMG/AMP sequence variant interpretation guidelines (Richards et al. 2015 PMID: 25741868, with internal and published modifications).